The following is an entry in ClinVar:

ClinVar aggregate classification (germline): Pathogenic. Review status: criteria provided, multiple submitters, no conflicts (2 of 4 stars). 2 submissions from 2 submitters: Pathogenic (2). Last evaluated 2021-08-28.

Submissions (2):

Labcorp Genetics (formerly Invitae), Labcorp
Classification: Pathogenic. Last evaluated: 2021-08-28. Review status: criteria provided, single submitter. Criteria: Invitae Variant Classification Sherloc (09022015). Collection method: clinical testing. Allele origin: germline.
Comment: For these reasons, this variant has been classified as Pathogenic. ClinVar contains an entry for this variant (Variation ID: 1184925). This variant has not been reported in the literature in individuals affected with MYO7A-related conditions. This variant is not present in population databases (ExAC no frequency). This sequence change creates a premature translational stop signal (p.Thr2030Serfs*11) in the MYO7A gene. It is expected to result in an absent or disrupted protein product. Loss-of-function variants in MYO7A are known to be pathogenic (PMID: 8900236, 25404053).

Institute of Medical Genetics and Applied Genomics, University Hospital Tübingen
Classification: Pathogenic. Last evaluated: 2021-06-17. Review status: criteria provided, single submitter. Criteria: ACMG Guidelines, 2015. Collection method: clinical testing. Allele origin: germline. Inheritance: Autosomal recessive inheritance. Affected: yes.

Literature cited by the submitters: PubMed 8900236 (cited by Labcorp Genetics (formerly Invitae), Labcorp); PubMed 25404053 (cited by Labcorp Genetics (formerly Invitae), Labcorp).

NM_000260.4(MYO7A):c.6089del (p.Thr2030fs)

Gene: MYO7A (myosin VIIA; plus strand). Cytogenetic location: 11q13.5.
Variant type: Deletion.
Coding change: c.6089del on transcript NM_000260.4 (MANE Select); coding-DNA position 6089, one base deleted (C; older notation c.6089delC).
Protein change: p.Thr2030fs; shifts the reading frame from threonine 2030.
Molecular consequence: frameshift variant.
Genome position (GRCh38, 1-based): chr11:77,211,189, C deleted. VCF-style (leftmost placement, unchanged base first): chr11-77211188-AC-A. GRCh37 (hg19) VCF-style: chr11-76922233-AC-A.
Other names: c.5975del, p.Thr1992fs (NM_001127180.2); c.5942del, p.Thr1981fs (NM_001369365.1); short protein forms T1981fs, T1992fs, T2030fs.
Identifiers: ClinVar variation 1184925 (VCV001184925.8), dbSNP rs2135784410, ClinGen allele CA2499221344.
Genomic context (GRCh38, chr11:77,211,188, plus strand): 5'-TGTGACCTGCTCTGTCTCTGACAGGAGTTGCCCAAGTATCTCCGAGGCTACCACAAGTGC[AC>A]GCGGGAGGAGGTGCTGCAGCTGGGGGCGCTGATCTACAGGGTCAAGTTCGAGGAGGACAA-3'